The following is an entry in ClinVar:

ClinVar aggregate classification (germline): Uncertain significance. Review status: criteria provided, multiple submitters, no conflicts (2 of 4 stars). 4 submissions from 4 submitters: Uncertain significance (4). Last evaluated 2026-05-15.

Conditions:
PDE6A-related disorder. Also called: PDE6A-related condition.

Allele frequency attached by ClinVar (database versions not stated): gnomAD 0.00003; gnomAD exomes 0.00004 and 0.00009; TOPMed 0.00005; ExAC 0.00011; ESP Exome Variant Server 0.00015.

Submissions (4):

PreventionGenetics, part of Exact Sciences
Classification: Uncertain significance for PDE6A-related condition. Last evaluated: 2026-05-15. Review status: criteria provided, single submitter. Criteria: ACMG Guidelines, 2015. Collection method: clinical testing. Allele origin: germline.
Comment: The PDE6A c.85C>T variant is predicted to result in the amino acid substitution p.Arg29Trp. This variant was reported in the homozygous state in an individual with retinitis pigmentosa (Martin-Merida et al. 2019. PubMed ID: 30902645). This variant is reported in 0.026% of alleles in individuals of South Asian descent in gnomAD. At this time, the clinical significance of this variant is uncertain due to the absence of conclusive functional and genetic evidence.

Blueprint Genetics
Classification: Uncertain significance. Last evaluated: 2024-09-12. Review status: criteria provided, single submitter. Criteria: ACMG Guidelines, 2015. Collection method: clinical testing. Allele origin: germline.

Labcorp Genetics (formerly Invitae), Labcorp
Classification: Uncertain significance. Last evaluated: 2022-07-19. Review status: criteria provided, single submitter. Criteria: Invitae Variant Classification Sherloc (09022015). Collection method: clinical testing. Allele origin: germline.
Comment: This sequence change replaces arginine, which is basic and polar, with tryptophan, which is neutral and slightly polar, at codon 29 of the PDE6A protein (p.Arg29Trp). This variant is present in population databases (rs201025404, gnomAD 0.03%). This missense change has been observed in individual(s) with retinitis pigmentosa (PMID: 30902645). ClinVar contains an entry for this variant (Variation ID: 193097). Algorithms developed to predict the effect of missense changes on protein structure and function are either unavailable or do not agree on the potential impact of this missense change (SIFT: "Deleterious"; PolyPhen-2: "Possibly Damaging"; Align-GVGD: "Class C0"). In summary, the available evidence is currently insufficient to determine the role of this variant in disease. Therefore, it has been classified as a Variant of Uncertain Significance.

Eurofins Ntd Llc (ga)
Classification: Uncertain significance. Last evaluated: 2014-08-11. Review status: criteria provided, single submitter. Criteria: EGL Classification Definitions 2015. Collection method: clinical testing. Allele origin: germline. Observed: 1 variant allele, 1 heterozygote.

Literature cited by the submitters: PubMed 30902645 (cited by Labcorp Genetics (formerly Invitae), Labcorp).

NM_000440.3(PDE6A):c.85C>T (p.Arg29Trp)

Gene: PDE6A (phosphodiesterase 6A; minus strand). Cytogenetic location: 5q32.
Variant type: single nucleotide variant.
Coding change: c.85C>T on transcript NM_000440.3 (MANE Select); coding-DNA position 85, C replaced by T.
Protein change: p.Arg29Trp; replaces arginine 29 with tryptophan.
Molecular consequence: missense variant.
Genome position (GRCh38, 1-based): chr5:149,944,589, G>A on the plus strand (C>T on the coding strand, the complement: PDE6A is on the minus strand). VCF-style: chr5-149944589-G-A. GRCh37 (hg19) VCF-style: chr5-149324152-G-A.
Other names: c.85C>T (NM_000440.2); short protein forms R29W.
Identifiers: ClinVar variation 193097 (VCV000193097.16), dbSNP rs201025404, ClinGen allele CA238606.
Genomic context (GRCh38, chr5:149,944,589, plus strand): 5'-AGTTGCTGAAGTCCACGGCAGCCTCCTTGGCCCCAAGGAGGTCGGAGATGAGCTTGGCCC[G>A]GTAGTGGAGGTTGTAGTACTGTTTGGCAAAGCCAATATTCGAGTCCAGGAACTTCTCCAC-3'
Protein context (NP_000431.2, residues 19-39): FAKQYYNLHY[Arg29Trp]AKLISDLLGA